The following is an entry in ClinVar:

NM_000384.3(APOB):c.4463G>T (p.Gly1488Val)

Gene: APOB (apolipoprotein B; minus strand). Cytogenetic location: 2p24.1.
Variant type: single nucleotide variant.
Coding change: c.4463G>T on transcript NM_000384.3 (MANE Select); coding-DNA position 4463, G replaced by T.
Protein change: p.Gly1488Val; replaces glycine 1488 with valine.
Molecular consequence: missense variant.
Genome position (GRCh38, 1-based): chr2:21,012,405, C>A on the plus strand (G>T on the coding strand, the complement: APOB is on the minus strand). VCF-style: chr2-21012405-C-A. GRCh37 (hg19) VCF-style: chr2-21235277-C-A.
Other names: short protein forms G1488V.
Identifiers: ClinVar variation 3753602 (VCV003753602.2).
Genomic context (GRCh38, chr2:21,012,405, plus strand): 5'-TCCCTCTGACAAGACAGGCCATATGTGCCTTTAGCATAGAACGAAGAGACTCTGAACTGC[C>A]CATCAATCTTGACTTCTTTGACAAACAAATGCTGTTTCTTTTTGGAGTCCAAATGAACTG-3'
Protein context (NP_000375.3, residues 1478-1498): HLFVKEVKID[Gly1488Val]QFRVSSFYAK

ClinVar aggregate classification (germline): Uncertain significance (1 of 4 stars; one submission).

Conditions:
Familial hypobetalipoproteinemia 1. Also called: APOB-Related Familial Hypobetalipoproteinemia; Hypobetalipoproteinemia, normotriglyceridemic; Acanthocytosis with hypobetalipoproteinemia. Identifiers: MedGen C4551990, MONDO:0014252, OMIM 615558.
Hypercholesterolemia, autosomal dominant, type B (FHCL2). Also called: Familial Hypercholesterolemia Type B; APOLIPOPROTEIN B-100, FAMILIAL DEFECTIVE; APOLIPOPROTEIN B-100, FAMILIAL LIGAND-DEFECTIVE; HYPERCHOLESTEROLEMIA, FAMILIAL, DUE TO LIGAND-DEFECTIVE APOLIPOPROTEIN B; Hyperlipoproteinemia Type IIb; Familial hypercholesterolemia 2. Identifiers: MedGen C1704417, MONDO:0007751, OMIM 144010.

Submission:

Labcorp Genetics (formerly Invitae), Labcorp
Classification: Uncertain significance for Familial hypobetalipoproteinemia 1; Hypercholesterolemia, autosomal dominant, type B. Last evaluated: 2024-04-03. Review status: criteria provided, single submitter. Criteria: Invitae Variant Classification Sherloc (09022015). Collection method: clinical testing. Allele origin: germline.
Comment: This sequence change replaces glycine, which is neutral and non-polar, with valine, which is neutral and non-polar, at codon 1488 of the APOB protein (p.Gly1488Val). This variant is not present in population databases (gnomAD no frequency). This variant has not been reported in the literature in individuals affected with APOB-related conditions. Advanced modeling of protein sequence and biophysical properties (such as structural, functional, and spatial information, amino acid conservation, physicochemical variation, residue mobility, and thermodynamic stability) performed at Invitae indicates that this missense variant is not expected to disrupt APOB protein function with a negative predictive value of 95%. In summary, the available evidence is currently insufficient to determine the role of this variant in disease. Therefore, it has been classified as a Variant of Uncertain Significance.